The following is an entry in ClinVar:

ClinVar aggregate classification (germline): Conflicting classifications of pathogenicity. Review status: criteria provided, conflicting classifications (1 of 4 stars). 8 submissions from 8 submitters: Pathogenic (4); Likely pathogenic (2); Uncertain significance (1). 1 of the submissions does not count toward it. Last evaluated 2025-10-03.

Conditions:
SLC7A9-related disorder. Also called: SLC7A9-related condition.
Cystinuria (CSNU). Also called: Cystinuria, non-type I; CYSTINURIA, TYPE I; CYSTINURIA, TYPE II; CYSTINURIA, TYPE III. Identifiers: Orphanet 214, MedGen C0010691, MONDO:0009067, OMIM 220100, HP:0003131.

Allele frequency attached by ClinVar (database versions not stated): gnomAD 0.00005 and 0.00006; TOPMed 0.00006.
gnomAD v4.1: 236 of 1,613,394 alleles (0.015%); highest among the groups gnomAD compares: Non-Finnish European, 0.019%; no homozygotes.

Submissions (8):

Rare Kidney Stone Consortium and the Mayo Clinic Hyperoxaluria Center, Mayo Clinic
Classification: Likely pathogenic for Cystinuria. Last evaluated: 2025-10-03. Review status: criteria provided, single submitter. Criteria: ACMG Guidelines, 2015. Collection method: research. Allele origin: germline. Observed: 1 variant allele.
Comment: ACMG:PM1, PM2, PP3, PP5

Blueprint Genetics
Classification: Pathogenic for SLC7A9-related disorders. Last evaluated: 2024-07-09. Review status: criteria provided, single submitter. Criteria: ACMG Guidelines, 2015. Collection method: clinical testing. Allele origin: germline. Affected: yes. Observed: 5 variant alleles.

Fulgent Genetics
Classification: Likely pathogenic for Cystinuria. Last evaluated: 2024-05-23. Review status: criteria provided, single submitter. Criteria: ACMG Guidelines, 2015. Collection method: clinical testing. Allele origin: germline.

Labcorp Genetics (formerly Invitae), Labcorp
Classification: Pathogenic. Last evaluated: 2023-10-18. Review status: criteria provided, single submitter. Criteria: Invitae Variant Classification Sherloc (09022015). Collection method: clinical testing. Allele origin: germline.
Comment: This sequence change replaces alanine, which is neutral and non-polar, with valine, which is neutral and non-polar, at codon 224 of the SLC7A9 protein (p.Ala224Val). This variant is present in population databases (rs140873167, gnomAD 0.007%). This missense change has been observed in individual(s) with cystinuria (PMID: 12234283, 19782624, 25109415, 25296721, 28646536, 33349102). It has also been observed to segregate with disease in related individuals. ClinVar contains an entry for this variant (Variation ID: 631809). Advanced modeling of protein sequence and biophysical properties (such as structural, functional, and spatial information, amino acid conservation, physicochemical variation, residue mobility, and thermodynamic stability) performed at Invitae indicates that this missense variant is not expected to disrupt SLC7A9 protein function. For these reasons, this variant has been classified as Pathogenic.

Institute of Human Genetics, University of Leipzig Medical Center
Classification: Uncertain significance for Cystinuria. Last evaluated: 2023-08-02. Review status: criteria provided, single submitter. Criteria: ACMG Guidelines, 2015. Collection method: clinical testing. Allele origin: unknown. Inheritance: Autosomal dominant inheritance. Affected: yes.
Comment: Criteria applied: PS4_MOD,PM2_SUP,PP3

Victorian Clinical Genetics Services, Murdoch Childrens Research Institute
Classification: Pathogenic for Cystinuria. Last evaluated: 2023-07-17. Review status: criteria provided, single submitter. Criteria: ACMG Guidelines, 2015. Collection method: clinical testing. Allele origin: germline. Affected: yes.
Comment: Based on the classification scheme VCGS_Germline_v1.3.4, this variant is classified as Pathogenic. Following criteria are met: 0102 - Loss of function is a known mechanism of disease in this gene and is associated with cystinuria (MIM#220100). (I) 0108 - This gene is associated with both recessive and dominant disease. Some heterozygous variants have been reported to result in a milder phenotype (OMIM, PMID: 11157794). (I) 0112 - The condition associated with this gene has incomplete penetrance. Autosomal dominant cystinuria has been reported to have incomplete penetrance (PMID: 25964309). (I) 0200 - Variant is predicted to result in a missense amino acid change from alanine to valine. (I) 0251 - This variant is heterozygous. (I) 0304 - Variant is present in gnomAD (v2 & v3) <0.01 (17 heterozygotes, 0 homozygotes). (SP) 0309 - An alternative amino acid change at the same position has been observed in gnomAD (v2) (3 heterozygotes, 0 homozygotes). (I) 0501 - Missense variant consistently predicted to be damaging by multiple in silico tools or highly conserved with a major amino acid change. (SP) 0600 - Variant is located in the annotated amino acid permease domain (DECIPHER). (I) 0801 - This variant has strong previous evidence of pathogenicity in unrelated individuals. This variant has been classified as pathogenic and likely pathogenic by clinical laboratories in ClinVar, and has been observed as homozygous, compound heterozygous, and as a single heterozygous variant in multiple individuals with cystinuria (PMIDs: 33349102, 25296721, 25964309). (SP) 1101 - Very strong and specific phenotype match for this individual. (SP) 1208 - Inheritance information for this variant is not currently available in this individual. (I) Legend: (SP) - Supporting pathogenic, (I) - Information, (SB) - Supporting benign

Illumina Laboratory Services, Illumina
Classification: Pathogenic for Cystinuria. Last evaluated: 2018-10-10. Review status: criteria provided, single submitter. Criteria: ICSL Variant Classification Criteria 09 May 2019. Collection method: clinical testing. Allele origin: germline.
Comment: The SLC7A9 c.671C>T (p.Ala224Val) variant has been reported in three studies in a total of nine probands with cystinuria including one in a homozygous state, three in a compound heterozygous state, and five in a heterozygous state without a second allele identified (Botzenhart et al. 2002, Rhodes et al. 2015, Halbritter et al. 2015). The p.Ala224Val variant was also found in one unaffected parent in a heterozygous state (Botzenhart et al. 2002). There is evidence that cystinuria type B can be inherited in an autosomal dominant pattern with incomplete penetrance or an autosomal recessive pattern (Barbosa et al. 2012). The p.Ala224Val variant was absent from at least 50 control samples and is reported at a frequency of 0.000071 in the European (non-Finnish) population of the Genome Aggregation Database. While cystinuria generally displays an autosomal recessive mode of inheritance, some heterozygous carriers of variants in the SLC7A9 gene have abnormal urinary amino acid patterns and an increased risk of kidney stones (Eggermann et al. 2012). Based on the evidence, the p.Ala224Val variant is classified as pathogenic for cystinuria. This variant was observed by ICSL as part of a predisposition screen in an ostensibly healthy population.

Genomics England Pilot Project, Genomics England
Classification: Pathogenic for Cystinuria. Review status: no assertion criteria provided. Criteria: ACGS Guidelines, 2016. Collection method: clinical testing. Allele origin: germline. Affected: yes. Not counted in ClinVar's aggregate classification.

Literature cited by the submitters: PubMed 12234283 (cited by 3 submitters); PubMed 25296721 (cited by 4 submitters); PubMed 28812535 (cited by Rare Kidney Stone Consortium and the Mayo Clinic Hyperoxaluria Center, Mayo Clinic); PubMed 34758253 (cited by Rare Kidney Stone Consortium and the Mayo Clinic Hyperoxaluria Center, Mayo Clinic); PubMed 40794449 (cited by Rare Kidney Stone Consortium and the Mayo Clinic Hyperoxaluria Center, Mayo Clinic); PubMed 19782624 (cited by Labcorp Genetics (formerly Invitae), Labcorp); PubMed 25109415 (cited by Labcorp Genetics (formerly Invitae), Labcorp); PubMed 28646536 (cited by Labcorp Genetics (formerly Invitae), Labcorp); PubMed 33349102 (cited by Labcorp Genetics (formerly Invitae), Labcorp and Victorian Clinical Genetics Services, Murdoch Childrens Research Institute); PubMed 11157794 (cited by Victorian Clinical Genetics Services, Murdoch Childrens Research Institute); PubMed 25964309 (cited by Victorian Clinical Genetics Services, Murdoch Childrens Research Institute and Illumina Laboratory Services, Illumina); PubMed 21255007 (cited by Illumina Laboratory Services, Illumina).

NM_014270.5(SLC7A9):c.671C>T (p.Ala224Val)

Gene: SLC7A9 (solute carrier family 7 member 9; minus strand). Cytogenetic location: 19q13.11.
Variant type: single nucleotide variant.
Coding change: c.671C>T on transcript NM_014270.5 (MANE Select); coding-DNA position 671, C replaced by T.
Protein change: p.Ala224Val; replaces alanine 224 with valine.
Molecular consequence: missense variant.
Genome position (GRCh38, 1-based): chr19:32,862,151, G>A on the plus strand (C>T on the coding strand, the complement: SLC7A9 is on the minus strand). VCF-style: chr19-32862151-G-A. GRCh37 (hg19) VCF-style: chr19-33353057-G-A.
Other names: c.671C>T, p.Ala224Val (NM_001126335.2, NM_001243036.2); short protein forms A224V.
Identifiers: ClinVar variation 631809 (VCV000631809.18), dbSNP rs140873167, ClinGen allele CA9358732.